The following is an entry in ClinVar:

ClinVar aggregate classification (germline): Pathogenic (1 of 4 stars; one submission).

Conditions:
Kennedy disease (SMAX1). Also called: SPINAL AND BULBAR MUSCULAR ATROPHY, X-LINKED 1; KENNEDY SPINAL AND BULBAR MUSCULAR ATROPHY; Spinal and Bulbar Muscular Atrophy. Identifiers: Orphanet 481, MedGen C1839259, MONDO:0010735, OMIM 313200.
Androgen resistance syndrome (AIS). Also called: ANDROGEN RECEPTOR DEFICIENCY; DIHYDROTESTOSTERONE RECEPTOR DEFICIENCY; TESTICULAR FEMINIZATION SYNDROME; Androgen insensitivity syndrome; Androgen insensitivity, complete; Androgen insensitivity syndrome due to coactivator deficiency. Identifiers: Orphanet 754, Orphanet 99429, MedGen C0039585, MONDO:0019154, OMIM 300068. Disease mechanism: loss of function.

Submission:

Labcorp Genetics (formerly Invitae), Labcorp
Classification: Pathogenic for Kennedy disease; Androgen resistance syndrome. Last evaluated: 2023-09-20. Review status: criteria provided, single submitter. Criteria: Invitae Variant Classification Sherloc (09022015). Collection method: clinical testing. Allele origin: unknown.
Comment: For these reasons, this variant has been classified as Pathogenic. A similar copy number variant has been observed in individual(s) with AR-related conditions (PMID: 25674389). This variant is a gross deletion of the genomic region encompassing exon(s) 2 of the AR gene. This deletion is out-of-frame, and is expected to create a premature termination codon and result in an absent or disrupted protein product. Loss-of-function variants in AR are known to be pathogenic (PMID: 19463997).

Literature cited by the submitters: PubMed 25674389; PubMed 19463997.

NC_000023.10:g.(?_66863078)_(66863269_?)del

Gene: AR (androgen receptor; plus strand). Cytogenetic location: Xq12.
Variant type: Deletion.
Identifiers: ClinVar variation 3244216 (VCV003244216.1).